The following is an entry in ClinVar:

NM_020987.5(ANK3):c.12990T>C (p.Ser4330=)

Gene: ANK3 (ankyrin 3; minus strand). Cytogenetic location: 10q21.2.
Variant type: single nucleotide variant.
Coding change: c.12990T>C on transcript NM_020987.5 (MANE Select); coding-DNA position 12990, T replaced by C.
Protein change: p.Ser4330=; no amino-acid change (serine 4330 retained).
Molecular consequence: synonymous variant.
Genome position (GRCh38, 1-based): chr10:60,055,733, A>G on the plus strand (T>C on the coding strand, the complement: ANK3 is on the minus strand). VCF-style: chr10-60055733-A-G. GRCh37 (hg19) VCF-style: chr10-61815491-A-G.
Other names: c.2862T>C, p.Ser954= (NM_001149.4); c.5442T>C, p.Ser1814= (NM_001204403.2); c.5463T>C, p.Ser1821= (NM_001204404.2); c.5460T>C, p.Ser1820= (NM_001320874.2).
Identifiers: ClinVar variation 716158 (VCV000716158.13), dbSNP rs141849652, ClinGen allele CA5510691.
Genomic context (GRCh38, chr10:60,055,733, plus strand): 5'-ACTGGACCCCTCTTCTTCATGGAGGCTAAGCCTTGGCTTGCCATCTGCTGGAGAAGTCCT[A>G]CTCATCTTTTTCATACTGACAGGCACACAGGGTTTAGTCTCTTCTATTATAAGCTTGCTG-3'
Protein context (NP_066267.2, residues 4320-4340): PCVPVSMKKM[Ser4330=]RTSPADGKPR

ClinVar aggregate classification (germline): Likely benign. Review status: criteria provided, multiple submitters, no conflicts (2 of 4 stars). 4 submissions from 4 submitters: Likely benign (3). 1 of the submissions does not count toward it. Last evaluated 2024-07-31.

Conditions:
ANK3-related disorder. Also called: ANK3-related condition.

Allele frequency attached by ClinVar (database versions not stated): gnomAD exomes 0.00005 and 0.00016; ExAC 0.00021; 1000 Genomes Project 30x 0.00031; 1000 Genomes Project 0.00040; gnomAD 0.00071 and 0.00079; TOPMed 0.00082; ESP Exome Variant Server 0.00115.
gnomAD v4.1: 191 of 1,613,952 alleles (0.012%); highest among the groups gnomAD compares: African/African-American, 0.24%; no homozygotes.

Submissions (4):

Labcorp Genetics (formerly Invitae), Labcorp
Classification: Likely benign. Last evaluated: 2024-07-31. Review status: criteria provided, single submitter. Criteria: Invitae Variant Classification Sherloc (09022015). Collection method: clinical testing. Allele origin: germline.

Blueprint Genetics
Classification: Likely benign. Last evaluated: 2024-04-11. Review status: criteria provided, single submitter. Criteria: ACMG Guidelines, 2015. Collection method: clinical testing. Allele origin: germline.

Breakthrough Genomics
Classification: Likely benign. Review status: criteria provided, single submitter. Criteria: ACMG Guidelines, 2015. Collection method: not provided. Allele origin: germline. Inheritance: Autosomal recessive inheritance. Affected: yes.

PreventionGenetics, part of Exact Sciences
Classification: Likely benign for ANK3-related condition. Last evaluated: 2019-12-05. Review status: no assertion criteria provided. Collection method: clinical testing. Allele origin: germline. Not counted in ClinVar's aggregate classification.
Comment: This variant is classified as likely benign based on ACMG/AMP sequence variant interpretation guidelines (Richards et al. 2015 PMID: 25741868, with internal and published modifications).